The following is an entry in ClinVar:

NM_001142800.2(EYS):c.4146C>A (p.Phe1382Leu)

Gene: EYS (EGF-like photoreceptor maintenance factor; minus strand). Cytogenetic location: 6q12.
Variant type: single nucleotide variant.
Coding change: c.4146C>A on transcript NM_001142800.2 (MANE Select); coding-DNA position 4146, C replaced by A.
Protein change: p.Phe1382Leu; replaces phenylalanine 1382 with leucine.
Molecular consequence: missense variant.
Genome position (GRCh38, 1-based): chr6:64,591,721, G>T on the plus strand (C>A on the coding strand, the complement: EYS is on the minus strand). VCF-style: chr6-64591721-G-T. GRCh37 (hg19) VCF-style: chr6-65301614-G-T.
Other names: c.4146C>A, p.Phe1382Leu (NM_001292009.2); short protein forms F1382L.
Identifiers: ClinVar variation 970035 (VCV000970035.5), dbSNP rs748931820, ClinGen allele CA3877102.

ClinVar aggregate classification (germline): Uncertain significance. Review status: criteria provided, multiple submitters, no conflicts (2 of 4 stars). 3 submissions from 3 submitters: Uncertain significance (2). 1 of the submissions does not count toward it. Last evaluated 2023-09-21.

Conditions:
Retinitis pigmentosa 25 (RP25). Identifiers: Orphanet 791, MedGen C1864446, MONDO:0011272, OMIM 602772.

Allele frequency attached by ClinVar (database versions not stated): gnomAD 0.00002; TOPMed 0.00002; gnomAD exomes 0.00003 and 0.00004; ExAC 0.00005.
gnomAD v4.1: 40 of 1,551,184 alleles (0.0026%); highest among the groups gnomAD compares: Non-Finnish European, 0.0034%; no homozygotes.

Submissions (3):

Blueprint Genetics
Classification: Uncertain significance. Last evaluated: 2023-09-21. Review status: criteria provided, single submitter. Criteria: ACMG Guidelines, 2015. Collection method: clinical testing. Allele origin: germline.

Labcorp Genetics (formerly Invitae), Labcorp
Classification: Uncertain significance. Last evaluated: 2021-08-28. Review status: criteria provided, single submitter. Criteria: Invitae Variant Classification Sherloc (09022015). Collection method: clinical testing. Allele origin: germline.
Comment: This sequence change replaces phenylalanine with leucine at codon 1382 of the EYS protein (p.Phe1382Leu). The phenylalanine residue is moderately conserved and there is a small physicochemical difference between phenylalanine and leucine. This variant is present in population databases (rs748931820, ExAC 0.01%). This variant has not been reported in the literature in individuals affected with EYS-related conditions. Algorithms developed to predict the effect of missense changes on protein structure and function output the following: SIFT: "Tolerated"; PolyPhen-2: "Benign"; Align-GVGD: "Class C0". The leucine amino acid residue is found in multiple mammalian species, which suggests that this missense change does not adversely affect protein function. In summary, the available evidence is currently insufficient to determine the role of this variant in disease. Therefore, it has been classified as a Variant of Uncertain Significance.

Natera, Inc.
Classification: Uncertain significance for Retinitis pigmentosa type 25. Last evaluated: 2020-10-07. Review status: no assertion criteria provided. Collection method: clinical testing. Allele origin: germline. Not counted in ClinVar's aggregate classification.